The following is an entry in ClinVar:

NM_002439.5(MSH3):c.579G>A (p.Lys193=)

Gene: MSH3 (mutS homolog 3; plus strand). Cytogenetic location: 5q14.1.
Variant type: single nucleotide variant.
Coding change: c.579G>A on transcript NM_002439.5 (MANE Select); coding-DNA position 579, G replaced by A.
Protein change: p.Lys193=; no amino-acid change (lysine 193 retained).
Molecular consequence: synonymous variant.
Genome position (GRCh38, 1-based): chr5:80,665,363, G>A. VCF-style: chr5-80665363-G-A. GRCh37 (hg19) VCF-style: chr5-79961182-G-A.
Identifiers: ClinVar variation 1749712 (VCV001749712.2), dbSNP rs1749547577, ClinGen allele CA445394354.

ClinVar aggregate classification (germline): Uncertain significance (1 of 4 stars; one submission).

Conditions:
Hereditary cancer-predisposing syndrome. Also called: Hereditary Cancer Syndrome; Hereditary neoplastic syndrome; Neoplastic Syndromes, Hereditary; Tumor predisposition. Identifiers: Orphanet 140162, MedGen C0027672, MeSH D009386, MONDO:0015356.

Submission:

Ambry Genetics
Classification: Uncertain significance for Hereditary cancer-predisposing syndrome. Last evaluated: 2021-04-20. Review status: criteria provided, single submitter. Criteria: Ambry Variant Classification Scheme 2023. Collection method: clinical testing. Allele origin: germline.
Comment: The c.579G>A variant (also known as p.K193K), located in coding exon 3 of the MSH3 gene, results from a G to A substitution at nucleotide position 579. This nucleotide substitution does not change the lysine at codon 193. However, this change occurs in the last base pair of coding exon 3, which makes it likely to have some effect on normal mRNA splicing. This nucleotide position is well conserved in available vertebrate species. In silico splice site analysis for this alteration is inconclusive. Since supporting evidence is limited at this time, the clinical significance of this alteration remains unclear.